The following is an entry in ClinVar:

ClinVar aggregate classification (germline): Uncertain significance (1 of 4 stars; one submission).

Conditions:
Cardiovascular phenotype. Identifiers: MedGen CN230736.

gnomAD v4.1: 1 of 1,613,924 alleles (0.000062%); highest among the groups gnomAD compares: Non-Finnish European, 0.000085%; no homozygotes.

Submission:

Ambry Genetics
Classification: Uncertain significance for Cardiovascular phenotype. Last evaluated: 2026-09-07. Review status: criteria provided, single submitter. Criteria: Ambry Variant Classification Scheme 2023. Collection method: clinical testing. Allele origin: germline.
Comment: The p.G1241R variant (also known as c.3721G>C), located in coding exon 30 of the ABCC9 gene, results from a G to C substitution at nucleotide position 3721. The glycine at codon 1241 is replaced by arginine, an amino acid with dissimilar properties. This amino acid position is conserved. In addition, the in silico prediction for this alteration is inconclusive. Based on the available evidence, the clinical significance of this variant remains unclear.

NM_020297.4(ABCC9):c.3721G>C (p.Gly1241Arg)

Genes: ABCC9 (ATP binding cassette subfamily C member 9; minus strand), KCNJ8-AS1 (KCNJ8 antisense RNA 1; plus strand). Cytogenetic location: 12p12.1.
Variant type: single nucleotide variant.
Coding change: c.3721G>C on transcript NM_020297.4 (MANE Select); coding-DNA position 3721, G replaced by C.
Protein change: p.Gly1241Arg; replaces glycine 1241 with arginine.
Molecular consequence: missense variant.
Genome position (GRCh38, 1-based): chr12:21,818,200, C>G on the plus strand (G>C on the coding strand, the complement: ABCC9 is on the minus strand). VCF-style: chr12-21818200-C-G. GRCh37 (hg19) VCF-style: chr12-21971134-C-G.
Other names: c.3721G>C, p.Gly1241Arg (NM_001377273.1, NM_005691.4); c.2854G>C, p.Gly952Arg (NM_001377274.1); short protein forms G952R, G1241R.
Identifiers: ClinVar variation 5025304 (VCV005025304.1).